The following is an entry in ClinVar:

ClinVar aggregate classification (germline): Uncertain significance (1 of 4 stars; one submission).

Conditions:
EP400-related disorder. Also called: EP400-related condition.

Submission:

PreventionGenetics, part of Exact Sciences
Classification: Uncertain significance for EP400-related condition. Last evaluated: 2026-01-15. Review status: criteria provided, single submitter. Criteria: ACMG Guidelines, 2015. Collection method: clinical testing. Allele origin: germline.
Comment: The EP400 c.4773dupA variant is predicted to result in a frameshift and premature protein termination (p.Leu1592Thrfs*152). To our knowledge, this variant has not been reported in the literature or in a large population database (gnomAD), indicating this variant is rare. Early termination changes in EP400 are poorly tolerated on the whole; however, few cases have been reported in the literature, and support for this gene's association with human disease is limited. At this time, the clinical significance of this variant is uncertain due to the absence of conclusive functional and genetic evidence.

NM_015409.5(EP400):c.4773dup (p.Leu1592fs)

Gene: EP400 (E1A binding protein p400; plus strand). Cytogenetic location: 12q24.33.
Variant type: Duplication.
Coding change: c.4773dup on transcript NM_015409.5 (MANE Select); coding-DNA position 4773, one base duplicated (A; older notation c.4773dupA).
Protein change: p.Leu1592fs; shifts the reading frame from leucine 1592.
Molecular consequence: frameshift variant.
Genome position (GRCh38, 1-based): chr12:132,023,859, A duplicated. VCF-style (leftmost placement, unchanged base first): chr12-132023858-C-CA. GRCh37 (hg19) VCF-style: chr12-132508403-C-CA.
Other names: short protein forms L1592fs.
Identifiers: ClinVar variation 4998604 (VCV004998604.1).
Genomic context (GRCh38, chr12:132,023,858, plus strand): 5'-CTCAGCTGGCATCCATCACAGGACCACAGAGCCGCGTGGCTCAGCCAGAGACGCCGGTGA[C>CA]ACTGCAGTTCCAGGGCAGCAAGTTCACCCTGTCACACAGCCAGCTCCGGCAGCTCACAGC-3'